The following is an entry in ClinVar:

NM_001111125.3(IQSEC2):c.3818A>G (p.Gln1273Arg)

Gene: IQSEC2 (IQ motif and Sec7 domain ArfGEF 2; minus strand). Cytogenetic location: Xp11.22.
Variant type: single nucleotide variant.
Coding change: c.3818A>G on transcript NM_001111125.3 (MANE Select); coding-DNA position 3818, A replaced by G.
Protein change: p.Gln1273Arg; replaces glutamine 1273 with arginine.
Molecular consequence: missense variant. On other transcripts: 3 prime UTR variant (2).
Genome position (GRCh38, 1-based): chrX:53,234,868, T>C on the plus strand (A>G on the coding strand, the complement: IQSEC2 is on the minus strand). VCF-style: chrX-53234868-T-C. GRCh37 (hg19) VCF-style: chrX-53264050-T-C.
Other names: c.*303A>G (NM_001410736.1, NM_015075.2); short protein forms Q1273R.
Identifiers: ClinVar variation 3907989 (VCV003907989.2).

ClinVar aggregate classification (germline): Uncertain significance (1 of 4 stars; one submission).

Submission:

GeneDx
Classification: Uncertain significance. Last evaluated: 2025-08-26. Review status: criteria provided, single submitter. Criteria: GeneDx Variant Classification Process June 2021. Collection method: clinical testing. Allele origin: germline.
Comment: Not observed at significant frequency in large population cohorts (gnomAD); In silico analysis suggests that this missense variant does not alter protein structure/function; Has not been previously published as pathogenic or benign to our knowledge